The following is an entry in ClinVar:

ClinVar aggregate classification (germline): Likely pathogenic (1 of 4 stars; one submission).

Conditions:
Achromatopsia 3 (ACHM3). Also called: TOTAL COLORBLINDNESS WITH MYOPIA; ROD MONOCHROMACY 1; ROD MONOCHROMATISM 1; PINGELAPESE BLINDNESS; ACHROMATOPSIA WITH MYOPIA. Identifiers: Orphanet 49382, MedGen C1849792, MONDO:0009875, OMIM 262300.

Submission:

Myriad Genetics, Inc.
Classification: Likely pathogenic for Achromatopsia 3. Last evaluated: 2022-02-05. Review status: criteria provided, single submitter. Criteria: Myriad Women's Health Autosomal Recessive and X-Linked Classification Criteria (2021). Collection method: clinical testing. Allele origin: unknown.
Comment: NM_019098.4(CNGB3):c.1019_1020delAC(H340Pfs*27) is expected to be pathogenic in the context of CNGB3-related achromatopsia. This variant is predicted to lead to an abnormal or absent protein product due to the creation of a premature termination codon in CNGB3, a gene where loss-of-function variants are known to be pathogenic. Please note: this variant was assessed in the context of healthy population screening.

NM_019098.5(CNGB3):c.1019_1020del (p.His340fs)

Gene: CNGB3 (cyclic nucleotide gated channel subunit beta 3; minus strand). Cytogenetic location: 8q21.3.
Variant type: Deletion.
Coding change: c.1019_1020del on transcript NM_019098.5 (MANE Select); coding-DNA positions 1019 to 1020, 2 bases deleted (AC; older notation c.1019_1020delAC).
Protein change: p.His340fs; shifts the reading frame from histidine 340.
Molecular consequence: frameshift variant.
Genome position (GRCh38, 1-based): chr8:86,644,657-86,644,658, GT deleted on the plus strand (AC on the coding strand, the reverse complement: CNGB3 is on the minus strand); deleting any 2 consecutive bases within chr8:86,644,657-86,644,659 gives the same sequence; the c. name uses the placement nearest the transcript's 3' end. VCF-style (leftmost placement, unchanged base first): chr8-86644656-GGT-G. GRCh37 (hg19) VCF-style: chr8-87656884-GGT-G.
Other names: short protein forms H340fs.
Identifiers: ClinVar variation 1724302 (VCV001724302.2), dbSNP rs2538099930, ClinGen allele CA2580079032.